The following is an entry in ClinVar:

NM_000077.5(CDKN2A):c.234C>T (p.Leu78=)

Gene: CDKN2A (cyclin dependent kinase inhibitor 2A; minus strand). Cytogenetic location: 9p21.3.
Variant type: single nucleotide variant.
Coding change: c.234C>T on transcript NM_000077.5; coding-DNA position 234, C replaced by T.
Protein change: p.Leu78=; no amino-acid change (leucine 78 retained).
Molecular consequence: synonymous variant (on NM_000077.6). On other transcripts: missense variant (1), 3 prime UTR variant (1).
Genome position (GRCh38, 1-based): chr9:21,971,125, G>A on the plus strand (C>T on the coding strand, the complement: CDKN2A is on the minus strand). VCF-style: chr9-21971125-G-A. GRCh37 (hg19) VCF-style: chr9-21971124-G-A.
Other names: c.234C>T, p.Leu78= (NM_000077.6, NM_001195132.2); c.81C>T, p.Leu27= (NM_001363763.2); c.277C>T, p.His93Tyr (NM_058195.4); c.*157C>T (NM_058197.5); short protein forms H93Y.
Identifiers: ClinVar variation 821138 (VCV000821138.9), dbSNP rs1587331920, ClinGen allele CA373086264.

ClinVar aggregate classification (germline): Conflicting classifications of pathogenicity. Review status: criteria provided, conflicting classifications (1 of 4 stars). 3 submissions from 3 submitters: Uncertain significance (2); Likely benign (1). Last evaluated 2025-08-11.

Conditions:
Familial melanoma. Also called: Hereditary melanoma; Hereditary cutaneous melanoma. Identifiers: Orphanet 618, MedGen C1512419, MONDO:0018961.
Hereditary cancer-predisposing syndrome. Also called: Neoplastic Syndromes, Hereditary; Tumor predisposition; Hereditary Cancer Syndrome; Hereditary neoplastic syndrome. Identifiers: Orphanet 140162, MedGen C0027672, MeSH D009386, MONDO:0015356.

Submissions (3):

Color Diagnostics, LLC DBA Color Health
Classification: Likely benign for Hereditary cancer-predisposing syndrome. Last evaluated: 2025-08-11. Review status: criteria provided, single submitter. Criteria: ACMG Guidelines, 2015. Collection method: clinical testing. Allele origin: germline.

Ambry Genetics
Classification: Uncertain significance for Hereditary cancer-predisposing syndrome. Last evaluated: 2024-08-09. Review status: criteria provided, single submitter. Criteria: Ambry Variant Classification Scheme 2023. Collection method: clinical testing. Allele origin: germline.
Comment: The c.234C>T variant (also known as p.L78L), located in coding exon 2 of the CDKN2A gene, results from a C to T substitution at nucleotide position 234 and does not change the amino acid at position 78 of the p16 isoform. Of note, this variant is also known as p.H93Y (c.277C>T) in the p14(ARF) isoform and results from a C to T substitution at nucleotide position 277. The evidence supporting a relationship between p14(ARF) and melanoma-pancreatic cancer syndrome is limited; therefore, the association of this variant with this gene-disease relationship is unknown. However, the association of this variant in the p16 isoform with melanoma-pancreatic cancer syndrome is unlikely.

Labcorp Genetics (formerly Invitae), Labcorp
Classification: Uncertain significance for Familial melanoma. Last evaluated: 2021-10-07. Review status: criteria provided, single submitter. Criteria: Invitae Variant Classification Sherloc (09022015). Collection method: clinical testing. Allele origin: germline.
Comment: This sequence change replaces histidine with tyrosine at codon 93 of the CDKN2A (p14ARF) protein (p.His93Tyr). The histidine residue is moderately conserved and there is a moderate physicochemical difference between histidine and tyrosine. This variant is not present in population databases (ExAC no frequency). This variant has not been reported in the literature in individuals affected with CDKN2A (p14ARF)-related conditions. Algorithms developed to predict the effect of missense changes on protein structure and function (SIFT, PolyPhen-2, Align-GVGD) all suggest that this variant is likely to be tolerated. In summary, the available evidence is currently insufficient to determine the role of this variant in disease. Therefore, it has been classified as a Variant of Uncertain Significance.